The following is an entry in ClinVar:

NM_198576.4(AGRN):c.167A>G (p.Asn56Ser)

Gene: AGRN (agrin; plus strand). Cytogenetic location: 1p36.33.
Variant type: single nucleotide variant.
Coding change: c.167A>G on transcript NM_198576.4 (MANE Select); coding-DNA position 167, A replaced by G.
Protein change: p.Asn56Ser; replaces asparagine 56 with serine.
Molecular consequence: missense variant.
Genome position (GRCh38, 1-based): chr1:1,020,339, A>G. VCF-style: chr1-1020339-A-G. GRCh37 (hg19) VCF-style: chr1-955719-A-G.
Other names: c.167A>G, p.Asn56Ser (NM_001305275.2); short protein forms N56S.
Identifiers: ClinVar variation 1044813 (VCV001044813.6), dbSNP rs1316890507, ClinGen allele CA337810773.

ClinVar aggregate classification (germline): Uncertain significance (1 of 4 stars; one submission).

Conditions:
Congenital myasthenic syndrome 8. Also called: MYASTHENIC SYNDROME, CONGENITAL, DUE TO AGRIN DEFICIENCY; Myasthenic syndrome, congenital, 8, with pre- and postsynaptic defects. Identifiers: Orphanet 590, MedGen C3808739, MONDO:0014052, OMIM 615120.

Allele frequency attached by ClinVar (database versions not stated): gnomAD exomes below 0.00001 and 0.00001.
gnomAD v4.1: 2 of 1,494,506 alleles (0.00013%); highest among the groups gnomAD compares: South Asian, 0.0013%; no homozygotes.

Submission:

Labcorp Genetics (formerly Invitae), Labcorp
Classification: Uncertain significance for Congenital myasthenic syndrome 8. Last evaluated: 2026-01-15. Review status: criteria provided, single submitter. Criteria: Invitae Variant Classification Sherloc (09022015). Collection method: clinical testing. Allele origin: germline.
Comment: This sequence change replaces asparagine, which is neutral and polar, with serine, which is neutral and polar, at codon 56 of the AGRN protein (p.Asn56Ser). The frequency data for this variant in the population databases is considered unreliable, as metrics indicate poor data quality at this position in the gnomAD database. This variant has not been reported in the literature in individuals affected with AGRN-related conditions. ClinVar contains an entry for this variant (Variation ID: 1044813). Experimental studies and prediction algorithms are not available or were not evaluated, and the functional significance of this variant is currently unknown. In summary, the available evidence is currently insufficient to determine the role of this variant in disease. Therefore, it has been classified as a Variant of Uncertain Significance.